The following is an entry in ClinVar:

NM_003803.4(MYOM1):c.5009C>A (p.Ala1670Glu)

Gene: MYOM1 (myomesin 1; minus strand). Cytogenetic location: 18p11.31.
Variant type: single nucleotide variant.
Coding change: c.5009C>A on transcript NM_003803.4 (MANE Select); coding-DNA position 5009, C replaced by A.
Protein change: p.Ala1670Glu; replaces alanine 1670 with glutamic acid.
Molecular consequence: missense variant.
Genome position (GRCh38, 1-based): chr18:3,067,311, G>T on the plus strand (C>A on the coding strand, the complement: MYOM1 is on the minus strand). VCF-style: chr18-3067311-G-T. GRCh37 (hg19) VCF-style: chr18-3067309-G-T.
Other names: c.4721C>A, p.Ala1574Glu (NM_019856.2); short protein forms A1670E, A1574E.
Identifiers: ClinVar variation 2447681 (VCV002447681.2), dbSNP rs560579909, ClinGen allele CA8873698.
Genomic context (GRCh38, chr18:3,067,311, plus strand): 5'-CGCACCTCCGGTCACTTGGCCTTCTTGCCACCTTTCAGGGACTCCAAGGCGGCCATCCTC[G>T]CCTCCTCCTCTGGGATGAACACGCTGACGGTGAAGTCGCTGGTCTCCGAGCCATACTTGT-3'
Protein context (NP_003794.3, residues 1660-1680): TVSVFIPEEE[Ala1670Glu]RMAALESLKG

ClinVar aggregate classification (germline): Uncertain significance (1 of 4 stars; one submission).

Allele frequency attached by ClinVar (database versions not stated): TOPMed below 0.00001; gnomAD 0.00007; ExAC 0.00016; 1000 Genomes Project 30x 0.00031; 1000 Genomes Project 0.00040.
gnomAD v4.1: 84 of 1,611,286 alleles (0.0052%); highest among the groups gnomAD compares: South Asian, 0.089%; 2 homozygotes.

Submission:

Ambry Genetics
Classification: Uncertain significance. Last evaluated: 2023-02-20. Review status: criteria provided, single submitter. Criteria: Ambry Variant Classification Scheme 2023. Collection method: clinical testing. Allele origin: germline.
Comment: The p.A1670E variant (also known as c.5009C>A), located in coding exon 37 of the MYOM1 gene, results from a C to A substitution at nucleotide position 5009. The alanine at codon 1670 is replaced by glutamic acid, an amino acid with dissimilar properties. This amino acid position is conserved. In addition, this alteration is predicted to be tolerated by in silico analysis. Since supporting evidence is limited at this time, the clinical significance of this alteration remains unclear.